The following is an entry in ClinVar:

NM_182914.3(SYNE2):c.5151+17_5151+18insGGCCGGGCGCGGTGGCTCACGCCTGTAATCCCAGCACTTTGGGAGGCCGAGGCGGGCGGATCACGANNNNNNNNNNAAAAAAAAAAAAAAAAAAAAAAGAATTTTTATTTA

Gene: SYNE2 (spectrin repeat containing nuclear envelope protein 2; plus strand). Cytogenetic location: 14q23.2.
Variant type: Insertion.
Coding change: c.5151+17_5151+18insGGCCGGGCGCGGTGGCTCACGCCTGTAATCCCAGCACTTTGGGAGGCCGAGGCGGGCGGATCACGANNNNNNNNNNAAAAAAAAAAAAAAAAAAAAAAGAATTTTTATTTA on transcript NM_182914.3 (MANE Select); bases 17 to 18 of the intron after coding-DNA position 5151, GGCCGGGCGCGGTGGCTCACGCCTGTAATCCCAGCACTTTGGGAGGCCGAGGCGGGCGGATCACGANNNNNNNNNNAAAAAAAAAAAAAAAAAAAAAAGAATTTTTATTTA inserted.
Molecular consequence: intron variant.
Genome position: GRCh38: chr14:64,020,110-64,020,111. GRCh37 (hg19): chr14:64,486,828-64,486,829.
Other names: c.5151+17_5151+18insGGCCGGGCGCGGTGGCTCACGCCTGTAATCCCAGCACTTTGGGAGGCCGAGGCGGGCGGATCACGANNNNNNNNNNAAAAAAAAAAAAAAAAAAAAAAGAATTTTTATTTA (NM_015180.6).
Identifiers: ClinVar variation 2697148 (VCV002697148.3), dbSNP rs2551083558.

ClinVar aggregate classification (germline): Uncertain significance (1 of 4 stars; one submission).

Conditions:
Emery-Dreifuss muscular dystrophy 5, autosomal dominant (EDMD5). Also called: EMERY-DREIFUSS MUSCULAR DYSTROPHY 5. Identifiers: Orphanet 261, MedGen C2751805, MONDO:0013072, OMIM 612999.

Submission:

Labcorp Genetics (formerly Invitae), Labcorp
Classification: Uncertain significance for Emery-Dreifuss muscular dystrophy 5, autosomal dominant. Last evaluated: 2023-08-18. Review status: criteria provided, single submitter. Criteria: Invitae Variant Classification Sherloc (09022015). Collection method: clinical testing. Allele origin: germline.
Comment: This variant is not present in population databases (gnomAD no frequency). This sequence change falls in intron 35 of the SYNE2 gene. It does not directly change the encoded amino acid sequence of the SYNE2 protein. This variant has not been reported in the literature in individuals affected with SYNE2-related conditions. Experimental studies and prediction algorithms are not available or were not evaluated, and the effect of this variant on mRNA splicing is currently unknown. In summary, the available evidence is currently insufficient to determine the role of this variant in disease. Therefore, it has been classified as a Variant of Uncertain Significance.